The following is an entry in ClinVar:

NM_173598.6(KSR2):c.2430T>C (p.Ser810=)

Gene: KSR2 (kinase suppressor of ras 2; minus strand). Cytogenetic location: 12q24.22.
Variant type: single nucleotide variant.
Coding change: c.2430T>C on transcript NM_173598.6 (MANE Select); coding-DNA position 2430, T replaced by C.
Protein change: p.Ser810=; no amino-acid change (serine 810 retained).
Molecular consequence: synonymous variant.
Genome position (GRCh38, 1-based): chr12:117,484,436, A>G on the plus strand (T>C on the coding strand, the complement: KSR2 is on the minus strand). VCF-style: chr12-117484436-A-G. GRCh37 (hg19) VCF-style: chr12-117922241-A-G.
Identifiers: ClinVar variation 4986030 (VCV004986030.1).

ClinVar aggregate classification (germline): Likely benign (1 of 4 stars; one submission).

Conditions:
KSR2-related disorder. Also called: KSR2-related condition.

gnomAD v4.1: 2 of 1,613,964 alleles (0.00012%); highest among the groups gnomAD compares: Admixed American, 0.0017%; no homozygotes.

Submission:

PreventionGenetics, part of Exact Sciences
Classification: Likely benign for KSR2-related condition. Last evaluated: 2026-05-10. Review status: criteria provided, single submitter. Criteria: ACMG Guidelines, 2015. Collection method: clinical testing. Allele origin: germline.
Comment: This variant is classified as likely benign based on ACMG/AMP sequence variant interpretation guidelines (Richards et al. 2015 PMID: 25741868, with internal and published modifications).